The following is an entry in ClinVar:

NM_003737.4(DCHS1):c.9490G>A (p.Asp3164Asn)

Gene: DCHS1 (dachsous cadherin-related 1; minus strand). Cytogenetic location: 11p15.4.
Variant type: single nucleotide variant.
Coding change: c.9490G>A on transcript NM_003737.4 (MANE Select); coding-DNA position 9490, G replaced by A.
Protein change: p.Asp3164Asn; replaces aspartic acid 3164 with asparagine.
Molecular consequence: missense variant.
Genome position (GRCh38, 1-based): chr11:6,622,186, C>T on the plus strand (G>A on the coding strand, the complement: DCHS1 is on the minus strand). VCF-style: chr11-6622186-C-T. GRCh37 (hg19) VCF-style: chr11-6643417-C-T.
Other names: short protein forms D3164N.
Identifiers: ClinVar variation 4738550 (VCV004738550.1).

ClinVar aggregate classification (germline): Uncertain significance (1 of 4 stars; one submission).

Submission:

Labcorp Genetics (formerly Invitae), Labcorp
Classification: Uncertain significance. Last evaluated: 2025-09-08. Review status: criteria provided, single submitter. Criteria: Invitae Variant Classification Sherloc (09022015). Collection method: clinical testing. Allele origin: germline.
Comment: This sequence change replaces aspartic acid, which is acidic and polar, with asparagine, which is neutral and polar, at codon 3164 of the DCHS1 protein (p.Asp3164Asn). This variant is not present in population databases (gnomAD no frequency). This variant has not been reported in the literature in individuals affected with DCHS1-related conditions. Invitae Evidence Modeling of protein sequence and biophysical properties (such as structural, functional, and spatial information, amino acid conservation, physicochemical variation, residue mobility, and thermodynamic stability) indicates that this missense variant is not expected to disrupt DCHS1 protein function with a negative predictive value of 95%. In summary, the available evidence is currently insufficient to determine the role of this variant in disease. Therefore, it has been classified as a Variant of Uncertain Significance.